The following is an entry in ClinVar:

NM_000179.3(MSH6):c.2241G>C (p.Leu747=)

Gene: MSH6 (mutS homolog 6; plus strand). Cytogenetic location: 2p16.3.
Variant type: single nucleotide variant.
Coding change: c.2241G>C on transcript NM_000179.3 (MANE Select); coding-DNA position 2241, G replaced by C.
Protein change: p.Leu747=; no amino-acid change (leucine 747 retained).
Molecular consequence: synonymous variant.
Genome position (GRCh38, 1-based): chr2:47,800,224, G>C. VCF-style: chr2-47800224-G-C. GRCh37 (hg19) VCF-style: chr2-48027363-G-C.
Other names: c.1851G>C, p.Leu617= (NM_001281492.2); c.1335G>C, p.Leu445= (NM_001281493.2, NM_001281494.2).
Identifiers: ClinVar variation 416137 (VCV000416137.18), dbSNP rs377722465, ClinGen allele CA16610923.

ClinVar aggregate classification (germline): Conflicting classifications of pathogenicity. Review status: criteria provided, conflicting classifications (1 of 4 stars). 5 submissions from 5 submitters: Uncertain significance (1); Benign (1); Likely benign (3). Last evaluated 2025-12-15.

Conditions:
Hereditary nonpolyposis colorectal neoplasms. Identifiers: MedGen C0009405, MeSH D003123.
Lynch syndrome 5 (LYNCH5). Also called: Colorectal cancer, hereditary nonpolyposis, type 5; Hereditary non-polyposis colorectal cancer, type 5. Identifiers: Orphanet 144, MedGen C1833477, MONDO:0013710, OMIM 614350. Disease mechanism: loss of function.
Hereditary cancer-predisposing syndrome. Also called: Tumor predisposition; Neoplastic Syndromes, Hereditary; Hereditary neoplastic syndrome; Hereditary Cancer Syndrome. Identifiers: Orphanet 140162, MedGen C0027672, MeSH D009386, MONDO:0015356.

Submissions (5):

Labcorp Genetics (formerly Invitae), Labcorp
Classification: Likely benign for Hereditary nonpolyposis colorectal neoplasms. Last evaluated: 2025-12-15. Review status: criteria provided, single submitter. Criteria: Invitae Variant Classification Sherloc (09022015). Collection method: clinical testing. Allele origin: germline.

Color Diagnostics, LLC DBA Color Health
Classification: Likely benign for Hereditary cancer-predisposing syndrome. Last evaluated: 2025-08-10. Review status: criteria provided, single submitter. Criteria: ACMG Guidelines, 2015. Collection method: clinical testing. Allele origin: germline.

Myriad Genetics, Inc.
Classification: Benign for Lynch syndrome 5. Last evaluated: 2024-12-30. Review status: criteria provided, single submitter. Criteria: Myriad Autosomal Dominant, Autosomal Recessive and X-Linked Classification Criteria (2023). Collection method: clinical testing. Allele origin: unknown.
Comment: This variant is considered benign. This variant is a silent/synonymous amino acid change and it is not expected to impact splicing.

GeneDx
Classification: Uncertain significance. Last evaluated: 2021-12-29. Review status: criteria provided, single submitter. Criteria: GeneDx Variant Classification Process June 2021. Collection method: clinical testing. Allele origin: germline. Affected: yes.
Comment: Not observed at significant frequency in large population cohorts (gnomAD); In silico analysis supports that this variant does not alter splicing; Has not been previously published as pathogenic or benign to our knowledge

Ambry Genetics
Classification: Likely benign for Hereditary cancer-predisposing syndrome. Last evaluated: 2017-02-01. Review status: criteria provided, single submitter. Criteria: Ambry Variant Classification Scheme 2023. Collection method: clinical testing. Allele origin: germline.